The following is an entry in ClinVar:

ClinVar aggregate classification (germline): Benign/Likely benign. Review status: criteria provided, multiple submitters, no conflicts (2 of 4 stars). 2 submissions from 2 submitters: Benign (1); Likely benign (1). Last evaluated 2026-06-17.

Conditions:
Polyps, multiple and recurrent inflammatory fibroid, gastrointestinal. Identifiers: MedGen C5193005, MONDO:0008285, OMIM 175510.
Gastrointestinal stromal tumor. Also called: Gastrointestinal stroma tumor; Gastrointestinal stromal tumor, somatic. Identifiers: Orphanet 44890, MedGen C0238198, MeSH D046152, MONDO:0011719, OMIM 606764, HP:0100723.

Allele frequency attached by ClinVar (database versions not stated): gnomAD exomes below 0.00001.
gnomAD v4.1: 2 of 1,614,172 alleles (0.00012%); highest among the groups gnomAD compares: Non-Finnish European, 0.00017%; no homozygotes.

Submissions (2):

Myriad Genetics, Inc.
Classification: Benign for Polyps, multiple and recurrent inflammatory fibroid, gastrointestinal. Last evaluated: 2026-06-17. Review status: criteria provided, single submitter. Criteria: Myriad Autosomal Dominant, Autosomal Recessive and X-Linked Classification Criteria (2023). Collection method: clinical testing. Allele origin: unknown.
Comment: This variant is considered benign. This variant is a silent/synonymous amino acid change and it is not expected to impact splicing.

Labcorp Genetics (formerly Invitae), Labcorp
Classification: Likely benign for Gastrointestinal stromal tumor. Last evaluated: 2022-09-07. Review status: criteria provided, single submitter. Criteria: Invitae Variant Classification Sherloc (09022015). Collection method: clinical testing. Allele origin: germline.

NM_006206.6(PDGFRA):c.1773T>C (p.Asp591=)

Gene: PDGFRA (platelet derived growth factor receptor alpha; plus strand). Cytogenetic location: 4q12.
Variant type: single nucleotide variant.
Coding change: c.1773T>C on transcript NM_006206.6 (MANE Select); coding-DNA position 1773, T replaced by C.
Protein change: p.Asp591=; no amino-acid change (aspartic acid 591 retained).
Molecular consequence: synonymous variant.
Genome position (GRCh38, 1-based): chr4:54,274,960, T>C. VCF-style: chr4-54274960-T-C. GRCh37 (hg19) VCF-style: chr4-55141127-T-C.
Other names: c.1773T>C, p.Asp591= (NM_001347827.2, NM_001347829.2); c.1848T>C, p.Asp616= (NM_001347828.2); c.1812T>C, p.Asp604= (NM_001347830.2).
Identifiers: ClinVar variation 1088330 (VCV001088330.10), dbSNP rs2110300729, ClinGen allele CA439287225.